The following is an entry in ClinVar:

ClinVar aggregate classification (germline): Likely pathogenic (1 of 4 stars; one submission).

Conditions:
Protoporphyria, erythropoietic, 1 (EPP1). Also called: Erythropoietic Protoporphyria, Autosomal Recessive; FERROCHELATASE DEFICIENCY; HEME SYNTHETASE DEFICIENCY. Identifiers: Orphanet 79278, MedGen C4692546, MONDO:0008319, OMIM 177000.

Submission:

Institute for Human Genetics, University Hospital Essen
Classification: Likely pathogenic for Protoporphyria, erythropoietic, 1. Last evaluated: 2026-03-03. Review status: criteria provided, single submitter. Criteria: ACMG Guidelines, 2015. Collection method: clinical testing. Allele origin: unknown. Affected: yes. Observed: 1 variant allele.
Comment: The alteration c.876_878dup produces a premature stop-codon at exon 8. There are a total of 49 LoF variants in that gene that are classified as pathogenic at the time of evaluation. The percentage of LoF variants among the total number of pathogenic variants is higher than 10% (77.78%). Nonsense or frameshift variant is predicted to undergo NMD. Exon 8 is present in biologically relevant transcript (NM_000140) (PVS1), Allele frequency for this variant 0.00 is lower than gene-level threshold 2.09e-4. (PM2_sup). The variant was detected in a patient with a phenotype highly specific for a disease (PP4)

NM_000140.5(FECH):c.876_878dup (p.Tyr293Ter)

Gene: FECH (ferrochelatase; minus strand). Cytogenetic location: 18q21.31.
Variant type: Duplication.
Coding change: c.876_878dup on transcript NM_000140.5 (MANE Select); coding-DNA positions 876 to 878, 3 bases duplicated (GTA; older notation c.876_878dupGTA).
Protein change: p.Tyr293Ter; replaces tyrosine 293 with a stop codon.
Molecular consequence: nonsense.
Genome position (GRCh38, 1-based): chr18:57,554,879-57,554,881, TAC duplicated on the plus strand (GTA on the coding strand, the reverse complement: FECH is on the minus strand); duplicating any 3 consecutive bases within chr18:57,554,879-57,554,882 gives the same sequence; the c. name uses the placement nearest the transcript's 3' end. VCF-style (leftmost placement, unchanged base first): chr18-57554878-G-GTAC. GRCh37 (hg19) VCF-style: chr18-55222110-G-GTAC.
Other names: c.894_896dup, p.Tyr299Ter (NM_001012515.4); c.777_779dup, p.Tyr260Ter (NM_001371094.1); c.660_662dup, p.Tyr221Ter (NM_001371095.1); c.876_878dup, p.Tyr293Ter (NM_001374778.1); short protein forms Y221*, Y260*, Y293*, Y299*.
Identifiers: ClinVar variation 4813852 (VCV004813852.1).